The following is an entry in ClinVar:

ClinVar aggregate classification (germline): Uncertain significance (1 of 4 stars; one submission).

Conditions:
Hereditary spastic paraplegia 72 (SPG72A). Also called: Spastic paraplegia 72, autosomal recessive. Identifiers: Orphanet 401849, MedGen C5882669, MONDO:0014282, OMIM 615625.

gnomAD v4.1: 1 of 1,613,546 alleles (0.000062%); no homozygotes.

Submission:

Labcorp Genetics (formerly Invitae), Labcorp
Classification: Uncertain significance for Hereditary spastic paraplegia 72. Last evaluated: 2025-03-13. Review status: criteria provided, single submitter. Criteria: Invitae Variant Classification Sherloc (09022015). Collection method: clinical testing. Allele origin: germline.
Comment: This sequence change replaces aspartic acid, which is acidic and polar, with glutamic acid, which is acidic and polar, at codon 161 of the REEP2 protein (p.Asp161Glu). This variant is not present in population databases (gnomAD no frequency). This variant has not been reported in the literature in individuals affected with REEP2-related conditions. ClinVar contains an entry for this variant (Variation ID: 2731323). An algorithm developed to predict the effect of missense changes on protein structure and function (PolyPhen-2) suggests that this variant is likely to be tolerated. In summary, the available evidence is currently insufficient to determine the role of this variant in disease. Therefore, it has been classified as a Variant of Uncertain Significance.

NM_001271803.2(REEP2):c.483C>G (p.Asp161Glu)

Gene: REEP2 (receptor accessory protein 2; plus strand). Cytogenetic location: 5q31.2.
Variant type: single nucleotide variant.
Coding change: c.483C>G on transcript NM_001271803.2 (MANE Select); coding-DNA position 483, C replaced by G.
Protein change: p.Asp161Glu; replaces aspartic acid 161 with glutamic acid.
Molecular consequence: missense variant. On other transcripts: non-coding transcript variant (2).
Genome position (GRCh38, 1-based): chr5:138,445,293, C>G. VCF-style: chr5-138445293-C-G. GRCh37 (hg19) VCF-style: chr5-137780982-C-G.
Other names: c.477C>G, p.Asp159Glu (NM_016606.4); short protein forms D159E, D161E.
Identifiers: ClinVar variation 2731323 (VCV002731323.3), dbSNP rs769190035, ClinGen allele CA361104318.